The following is an entry in ClinVar:

NM_000535.7(PMS2):c.622C>T (p.Gln208Ter)

Gene: PMS2 (PMS1 homolog 2, mismatch repair system component; minus strand). Cytogenetic location: 7p22.1.
Variant type: single nucleotide variant.
Coding change: c.622C>T on transcript NM_000535.7 (MANE Select); coding-DNA position 622, C replaced by T.
Protein change: p.Gln208Ter; replaces glutamine 208 with a stop codon.
Molecular consequence: nonsense. On other transcripts: 5 prime UTR variant (2), non-coding transcript variant (1), intron variant (9).
Genome position (GRCh38, 1-based): chr7:5,999,191, G>A on the plus strand (C>T on the coding strand, the complement: PMS2 is on the minus strand). VCF-style: chr7-5999191-G-A. GRCh37 (hg19) VCF-style: chr7-6038822-G-A.
Other names: c.217C>T, p.Gln73Ter (NM_001018040.1, NM_001322003.2, NM_001322004.2 and 20 more transcripts); c.622C>T, p.Gln208Ter (NM_001322006.2, NM_001322014.2, NM_001406870.1 and 4 more transcripts); c.304C>T, p.Gln102Ter (NM_001322007.2, NM_001322008.2, NM_001406876.1 and 4 more transcripts); c.-312C>T (NM_001322011.2, NM_001322012.2); c.313C>T, p.Gln105Ter (NM_001322015.2, NM_001406875.1, NM_001406877.1 and 6 more transcripts); c.808C>T, p.Gln270Ter (NM_001406866.1); c.646C>T, p.Gln216Ter (NM_001406868.1); c.286C>T, p.Gln96Ter (NM_001406885.1); and 6 more; short protein forms Q102*, Q105*, Q208*, Q216*, Q270*, Q73*, Q96*.
Identifiers: ClinVar variation 2674204 (VCV002674204.5), dbSNP rs1784808623, ClinGen allele CA366743967.
Genomic context (GRCh38, chr7:5,999,191, plus strand): 5'-CGATATTTTCCTTTATGCTGGGGCTTCCACCTGTGCATACCACAGGCTGTCGTTTTCCTT[G>A]TCCAAGCTGATTGGTGCAACTTACACGGATGCCTGCTGAAATGATACAGTATGCATGTAA-3'

ClinVar aggregate classification (germline): Pathogenic. Review status: criteria provided, multiple submitters, no conflicts (2 of 4 stars). 3 submissions from 3 submitters: Pathogenic (3). Last evaluated 2026-03-25.

Conditions:
Hereditary cancer-predisposing syndrome. Also called: Tumor predisposition; Hereditary neoplastic syndrome; Neoplastic Syndromes, Hereditary; Hereditary Cancer Syndrome. Identifiers: Orphanet 140162, MedGen C0027672, MeSH D009386, MONDO:0015356.
Hereditary nonpolyposis colorectal neoplasms. Identifiers: MedGen C0009405, MeSH D003123.
Lynch syndrome 4 (LYNCH4). Also called: Colorectal cancer, hereditary nonpolyposis, type 4; Hereditary non-polyposis colorectal cancer, type 4. Identifiers: Orphanet 144, MedGen C1838333, MONDO:0013699, OMIM 614337. Disease mechanism: loss of function.

Submissions (3):

Ambry Genetics
Classification: Pathogenic for Hereditary cancer-predisposing syndrome. Last evaluated: 2026-03-25. Review status: criteria provided, single submitter. Criteria: Ambry Variant Classification Scheme 2023. Collection method: clinical testing. Allele origin: germline.
Comment: The p.Q208* pathogenic mutation (also known as c.622C>T), located in coding exon 6 of the PMS2 gene, results from a C to T substitution at nucleotide position 622. This changes the amino acid from a glutamine to a stop codon within coding exon 6. This variant is considered to be rare based on population cohorts in the Genome Aggregation Database (gnomAD). This alteration is expected to result in loss of function by premature protein truncation or nonsense-mediated mRNA decay. As such, this alteration is interpreted as a disease-causing mutation.

Labcorp Genetics (formerly Invitae), Labcorp
Classification: Pathogenic for Hereditary nonpolyposis colorectal neoplasms. Last evaluated: 2024-02-03. Review status: criteria provided, single submitter. Criteria: Invitae Variant Classification Sherloc (09022015). Collection method: clinical testing. Allele origin: germline.
Comment: This sequence change creates a premature translational stop signal (p.Gln208*) in the PMS2 gene. It is expected to result in an absent or disrupted protein product. Loss-of-function variants in PMS2 are known to be pathogenic (PMID: 21376568, 24362816). This variant is not present in population databases (gnomAD no frequency). This variant has not been reported in the literature in individuals affected with PMS2-related conditions. Algorithms developed to predict the effect of sequence changes on RNA splicing suggest that this variant may disrupt the consensus splice site. For these reasons, this variant has been classified as Pathogenic.

Myriad Genetics, Inc.
Classification: Pathogenic for Lynch syndrome 4. Last evaluated: 2023-09-19. Review status: criteria provided, single submitter. Criteria: Myriad Autosomal Dominant, Autosomal Recessive and X-Linked Classification Criteria (2023). Collection method: clinical testing. Allele origin: unknown.
Comment: This variant is considered pathogenic. This variant creates a termination codon and is predicted to result in premature protein truncation.

Literature cited by the submitters: PubMed 21376568 (cited by Labcorp Genetics (formerly Invitae), Labcorp); PubMed 24362816 (cited by Labcorp Genetics (formerly Invitae), Labcorp).